The following is an entry in ClinVar:

ClinVar aggregate classification (germline): Uncertain significance (1 of 4 stars; one submission).

gnomAD v4.1: 5 of 1,613,994 alleles (0.00031%); highest among the groups gnomAD compares: Non-Finnish European, 0.00042%; no homozygotes.

Submission:

Labcorp Genetics (formerly Invitae), Labcorp
Classification: Uncertain significance. Last evaluated: 2022-07-27. Review status: criteria provided, single submitter. Criteria: Invitae Variant Classification Sherloc (09022015). Collection method: clinical testing. Allele origin: germline.
Comment: This sequence change replaces arginine, which is basic and polar, with serine, which is neutral and polar, at codon 1595 of the CIT protein (p.Arg1595Ser). This variant is not present in population databases (gnomAD no frequency). This variant has not been reported in the literature in individuals affected with CIT-related conditions. Algorithms developed to predict the effect of missense changes on protein structure and function (SIFT, PolyPhen-2, Align-GVGD) all suggest that this variant is likely to be disruptive. In summary, the available evidence is currently insufficient to determine the role of this variant in disease. Therefore, it has been classified as a Variant of Uncertain Significance.

NM_001206999.2(CIT):c.4783C>A (p.Arg1595Ser)

Gene: CIT (citron rho-interacting serine/threonine kinase; minus strand). Cytogenetic location: 12q24.23.
Variant type: single nucleotide variant.
Coding change: c.4783C>A on transcript NM_001206999.2 (MANE Select); coding-DNA position 4783, C replaced by A.
Protein change: p.Arg1595Ser; replaces arginine 1595 with serine.
Molecular consequence: missense variant.
Genome position (GRCh38, 1-based): chr12:119,712,249, G>T on the plus strand (C>A on the coding strand, the complement: CIT is on the minus strand). VCF-style: chr12-119712249-G-T. GRCh37 (hg19) VCF-style: chr12-120150054-G-T.
Other names: c.4657C>A, p.Arg1553Ser (NM_007174.3); short protein forms R1553S, R1595S.
Identifiers: ClinVar variation 1971722 (VCV001971722.2), dbSNP rs1165615595, ClinGen allele CA386538379.
Genomic context (GRCh38, chr12:119,712,249, plus strand): 5'-CTGCTTTTTCCCTAGAAACTCTCCCACCTGCGACAACTGATTCTAAGGCGGTGACCCAGC[G>T]CTGTTTGTCAGGGAAGCTGGGAGCTAGCAAGTAGAGGGTTCTCCCGGGCCAGCAGGTGGT-3'
Protein context (NP_001193928.1, residues 1585-1605): LLAPSFPDKQ[Arg1595Ser]WVTALESVVA